The following is an entry in ClinVar:

ClinVar aggregate classification (germline): Uncertain significance (1 of 4 stars; one submission).

Conditions:
Combined oxidative phosphorylation defect type 17. Also called: Combined oxidative phosphorylation deficiency 17. Identifiers: Orphanet 369913, MedGen C3809526, MONDO:0014190, OMIM 615440.

Submission:

Labcorp Genetics (formerly Invitae), Labcorp
Classification: Uncertain significance for Combined oxidative phosphorylation defect type 17. Last evaluated: 2024-08-12. Review status: criteria provided, single submitter. Criteria: Invitae Variant Classification Sherloc (09022015). Collection method: clinical testing. Allele origin: germline.
Comment: This sequence change replaces aspartic acid, which is acidic and polar, with glutamic acid, which is acidic and polar, at codon 280 of the ELAC2 protein (p.Asp280Glu). This variant is present in population databases (no rsID available, gnomAD 0.002%). This variant has not been reported in the literature in individuals affected with ELAC2-related conditions. ClinVar contains an entry for this variant (Variation ID: 1449818). Advanced modeling of protein sequence and biophysical properties (such as structural, functional, and spatial information, amino acid conservation, physicochemical variation, residue mobility, and thermodynamic stability) performed at Invitae indicates that this missense variant is not expected to disrupt ELAC2 protein function with a negative predictive value of 80%. In summary, the available evidence is currently insufficient to determine the role of this variant in disease. Therefore, it has been classified as a Variant of Uncertain Significance.

NM_018127.7(ELAC2):c.840C>G (p.Asp280Glu)

Gene: ELAC2 (elaC ribonuclease Z 2; minus strand). Cytogenetic location: 17p12.
Variant type: single nucleotide variant.
Coding change: c.840C>G on transcript NM_018127.7 (MANE Select); coding-DNA position 840, C replaced by G.
Protein change: p.Asp280Glu; replaces aspartic acid 280 with glutamic acid.
Molecular consequence: missense variant.
Genome position (GRCh38, 1-based): chr17:13,005,783, G>C on the plus strand (C>G on the coding strand, the complement: ELAC2 is on the minus strand). VCF-style: chr17-13005783-G-C. GRCh37 (hg19) VCF-style: chr17-12909100-G-C.
Other names: c.720C>G, p.Asp240Glu (NM_001165962.2); c.840C>G, p.Asp280Glu (NM_173717.2); short protein forms D280E, D240E.
Identifiers: ClinVar variation 1449818 (VCV001449818.6), dbSNP rs369092504, ClinGen allele CA398227246.